The following is an entry in ClinVar:

ClinVar aggregate classification (germline): Benign. Review status: reviewed by expert panel (3 of 4 stars). 3 submissions from 3 submitters: Benign (1). 2 of the submissions do not count toward it. Last evaluated 2026-10-23.

Conditions:
Alexander disease (ALXDRD). Also called: Alexander's disease. Identifiers: Orphanet 58, MedGen C0270726, MONDO:0008752, OMIM 203450.

Allele frequency attached by ClinVar (database versions not stated): gnomAD 0.00005 and 0.00010; TOPMed 0.00007; gnomAD exomes 0.00012 and 0.00017; ExAC 0.00014; 1000 Genomes Project 30x 0.00031; 1000 Genomes Project 0.00040.
gnomAD v4.1: 260 of 1,613,802 alleles (0.016%); highest among the groups gnomAD compares: East Asian, 0.47%; 1 homozygote.

Submissions (3):

ClinGen Leukodystrophy and Leukoencephalopathy Variant Curation Expert Panel, ClinGen
Classification: Benign for Alexander disease. Last evaluated: 2026-10-23. Review status: reviewed by expert panel. Criteria: ClinGen Leuko ACMG Specifications GFAP V1.0. Collection method: curation. Allele origin: germline. Inheritance: Autosomal dominant inheritance.
Comment: The NM_002055: c.1171+420C>T variant in GFAP is an intronic variant consisting of a C to T substitution 420 nucleotides after coding exon 7. The Exome GrpMax filtering allele frequency in gnomAD v4.1.1 is 0.004490 from the East Asian genetic ancestry group (the lower threshold of the 95% CI of 245/1461520 alleles), which is higher than the ClinGen Leukodystrophy and Leukoencephalopathy VCEP threshold (>0.0001) for BA1, and therefore meets this criterion (BA1). This variant has not been reported in any probands/families meeting phenotypic criteria for Alexander disease. There is no conflicting evidence for this variant. In summary, this variant meets the criteria to be classified as benign for autosomal dominant Alexander disease based on the ACMG/AMP criteria applied, as specified by the ClinGen Leukodystrophy and Leukoencephalopathy VCEP: BA1 (ClinGen Leukodystrophy and Leukoencephalopathy VCEP specifications version 1.0.0).

Labcorp Genetics (formerly Invitae), Labcorp
Classification: Benign. Last evaluated: 2022-02-21. Review status: criteria provided, single submitter. Criteria: Invitae Variant Classification Sherloc (09022015). Collection method: clinical testing. Allele origin: germline. Not counted in ClinVar's aggregate classification.

Soonchunhyang University Bucheon Hospital, Soonchunhyang University Medical Center
Classification: Uncertain significance for Alexander disease. Last evaluated: 2016-03-18. Review status: criteria provided, single submitter. Criteria: ACMG Guidelines, 2015. Collection method: reference population. Allele origin: germline. Observed: 1 variant allele. Not counted in ClinVar's aggregate classification.

Literature cited by the submitters: PubMed 24755947 (cited by Soonchunhyang University Bucheon Hospital, Soonchunhyang University Medical Center); PubMed 11138011 (cited by Soonchunhyang University Bucheon Hospital, Soonchunhyang University Medical Center); PubMed 15732097 (cited by Soonchunhyang University Bucheon Hospital, Soonchunhyang University Medical Center).

NM_002055.5(GFAP):c.1171+420C>T

Gene: GFAP (glial fibrillary acidic protein; minus strand). Cytogenetic location: 17q21.31.
Variant type: single nucleotide variant.
Coding change: c.1171+420C>T on transcript NM_002055.5 (MANE Select); 420 bases into the intron after coding-DNA position 1171, C replaced by T.
Molecular consequence: intron variant. On other transcripts: nonsense (2), 3 prime UTR variant (1).
Genome position (GRCh38, 1-based): chr17:44,910,195, G>A on the plus strand (C>T on the coding strand, the complement: GFAP is on the minus strand). VCF-style: chr17-44910195-G-A. GRCh37 (hg19) VCF-style: chr17-42987563-G-A.
Other names: c.1237C>T, p.Arg413Ter (NM_001131019.3, NM_001363846.2); c.*274C>T (NM_001242376.3); short protein forms R413*.
Identifiers: ClinVar variation 225373 (VCV000225373.10), dbSNP rs180974014, ClinGen allele CA8608701.